The following is an entry in ClinVar:

NM_004336.5(BUB1):c.1943C>T (p.Pro648Leu)

Gene: BUB1 (BUB1 mitotic checkpoint serine/threonine kinase; minus strand). Cytogenetic location: 2q13.
Variant type: single nucleotide variant.
Coding change: c.1943C>T on transcript NM_004336.5 (MANE Select); coding-DNA position 1943, C replaced by T.
Protein change: p.Pro648Leu; replaces proline 648 with leucine.
Molecular consequence: missense variant.
Genome position (GRCh38, 1-based): chr2:110,653,457, G>A on the plus strand (C>T on the coding strand, the complement: BUB1 is on the minus strand). VCF-style: chr2-110653457-G-A. GRCh37 (hg19) VCF-style: chr2-111411034-G-A.
Other names: c.1883C>T, p.Pro628Leu (NM_001278616.2); c.1943C>T, p.Pro648Leu (NM_001278617.2); short protein forms P628L, P648L.
Identifiers: ClinVar variation 1783090 (VCV001783090.4), dbSNP rs376649190, ClinGen allele CA348210257.
Genomic context (GRCh38, chr2:110,653,457, plus strand): 5'-ATGAAGAGAATGGCAGAACCAAATAAACCCTCACAATACCTGAATTTTCCATCCCTTGAA[G>A]GCACCACCATGTTTTCCTCACAAGAATCCAAAGTCGCCTGGGTACACTGTTTTGCTACCA-3'
Protein context (NP_004327.1, residues 638-658): LDSCEENMVV[Pro648Leu]SRDGKFSPIQ

ClinVar aggregate classification (germline): Uncertain significance. Review status: criteria provided, multiple submitters, no conflicts (2 of 4 stars). 2 submissions from 2 submitters: Uncertain significance (2). Last evaluated 2024-11-12.

gnomAD v4.1: 4 of 1,613,884 alleles (0.00025%); highest among the groups gnomAD compares: Non-Finnish European, 0.00034%; no homozygotes.

Submissions (2):

Labcorp Genetics (formerly Invitae), Labcorp
Classification: Uncertain significance. Last evaluated: 2024-11-12. Review status: criteria provided, single submitter. Criteria: Invitae Variant Classification Sherloc (09022015). Collection method: clinical testing. Allele origin: germline.
Comment: This sequence change replaces proline, which is neutral and non-polar, with leucine, which is neutral and non-polar, at codon 648 of the BUB1 protein (p.Pro648Leu). This variant is not present in population databases (gnomAD no frequency). This variant has not been reported in the literature in individuals affected with BUB1-related conditions. ClinVar contains an entry for this variant (Variation ID: 1783090). An algorithm developed to predict the effect of missense changes on protein structure and function outputs the following: PolyPhen-2: "Not Available". The leucine amino acid residue is found in multiple mammalian species, which suggests that this missense change does not adversely affect protein function. In summary, the available evidence is currently insufficient to determine the role of this variant in disease. Therefore, it has been classified as a Variant of Uncertain Significance.

Ambry Genetics
Classification: Uncertain significance. Last evaluated: 2022-09-10. Review status: criteria provided, single submitter. Criteria: Ambry Variant Classification Scheme 2023. Collection method: clinical testing. Allele origin: germline.
Comment: The p.P648L variant (also known as c.1943C>T), located in coding exon 17 of the BUB1 gene, results from a C to T substitution at nucleotide position 1943. The proline at codon 648 is replaced by leucine, an amino acid with similar properties. This amino acid position is conserved. In addition, this alteration is predicted to be tolerated by in silico analysis. Since supporting evidence is limited at this time, the clinical significance of this alteration remains unclear.